The following is an entry in ClinVar:

NM_000548.5(TSC2):c.1635G>A (p.Leu545=)

Gene: TSC2 (TSC complex subunit 2; plus strand). Cytogenetic location: 16p13.3.
Variant type: single nucleotide variant.
Coding change: c.1635G>A on transcript NM_000548.5 (MANE Select); coding-DNA position 1635, G replaced by A.
Protein change: p.Leu545=; no amino-acid change (leucine 545 retained).
Molecular consequence: synonymous variant.
Genome position (GRCh38, 1-based): chr16:2,065,554, G>A. VCF-style: chr16-2065554-G-A. GRCh37 (hg19) VCF-style: chr16-2115555-G-A.
Other names: c.1635G>A, p.Leu545= (NM_001077183.3, NM_001114382.3, NM_001363528.2 and 3 more transcripts); c.1524G>A, p.Leu508= (NM_001318827.2); c.1488G>A, p.Leu496= (NM_001318829.2); c.1035G>A, p.Leu345= (NM_001318831.2); c.1668G>A, p.Leu556= (NM_001318832.2).
Identifiers: ClinVar variation 746137 (VCV000746137.13), dbSNP rs755923499, ClinGen allele CA492947821.
Genomic context (GRCh38, chr16:2,065,554, plus strand): 5'-GTAAGTCCTGGCCTTCTCTTCAAAGGTGATGGCCCGCTCCCTCTCCCCACCCCCGGAGCT[G>A]GAAGAAAGGGATGTGGCCGCATACTCGGCCTCCTTGGAGGATGTGAAGACAGCCGTCCTG-3'
Protein context (NP_000539.2, residues 535-555): MARSLSPPPE[Leu545=]EERDVAAYSA

ClinVar aggregate classification (germline): Benign/Likely benign. Review status: criteria provided, multiple submitters, no conflicts (2 of 4 stars). 3 submissions from 3 submitters: Benign (1); Likely benign (2). Last evaluated 2025-12-02.

Conditions:
Tuberous sclerosis 2 (TSC2). Identifiers: Orphanet 805, MedGen C1860707, MONDO:0013199, OMIM 613254.
Hereditary cancer-predisposing syndrome. Also called: Tumor predisposition; Hereditary Cancer Syndrome; Neoplastic Syndromes, Hereditary; Hereditary neoplastic syndrome. Identifiers: Orphanet 140162, MedGen C0027672, MeSH D009386, MONDO:0015356.

Allele frequency attached by ClinVar (database versions not stated): TOPMed below 0.00001.

Submissions (3):

Labcorp Genetics (formerly Invitae), Labcorp
Classification: Likely benign for Tuberous sclerosis 2. Last evaluated: 2025-12-02. Review status: criteria provided, single submitter. Criteria: Invitae Variant Classification Sherloc (09022015). Collection method: clinical testing. Allele origin: germline.

Myriad Genetics, Inc.
Classification: Benign for Tuberous sclerosis 2. Last evaluated: 2025-05-15. Review status: criteria provided, single submitter. Criteria: Myriad Autosomal Dominant, Autosomal Recessive and X-Linked Classification Criteria (2023). Collection method: clinical testing. Allele origin: unknown.
Comment: This variant is considered benign. This variant is a silent/synonymous amino acid change and it is not expected to impact splicing.

Ambry Genetics
Classification: Likely benign for Hereditary cancer-predisposing syndrome. Last evaluated: 2022-09-30. Review status: criteria provided, single submitter. Criteria: Ambry Variant Classification Scheme 2023. Collection method: clinical testing. Allele origin: germline.